The following is an entry in ClinVar:

ClinVar aggregate classification (germline): Uncertain significance (1 of 4 stars; one submission).

gnomAD v4.1: 2 of 1,610,314 alleles (0.00012%); highest among the groups gnomAD compares: African/African-American, 0.0013%; no homozygotes.

Submission:

Labcorp Genetics (formerly Invitae), Labcorp
Classification: Uncertain significance. Last evaluated: 2026-01-13. Review status: criteria provided, single submitter. Criteria: Invitae Variant Classification Sherloc (09022015). Collection method: clinical testing. Allele origin: germline.
Comment: This sequence change replaces aspartic acid, which is acidic and polar, with glutamic acid, which is acidic and polar, at codon 20 of the SLC44A4 protein (p.Asp20Glu). This variant is present in population databases (no rsID available, gnomAD 0.02%). This variant has not been reported in the literature in individuals affected with SLC44A4-related conditions. An algorithm developed to predict the effect of missense changes on protein structure and function (PolyPhen-2) suggests that this variant is likely to be disruptive. In summary, the available evidence is currently insufficient to determine the role of this variant in disease. Therefore, it has been classified as a Variant of Uncertain Significance.

NM_025257.3(SLC44A4):c.60C>A (p.Asp20Glu)

Gene: SLC44A4 (solute carrier family 44 member 4; minus strand). Cytogenetic location: 6p21.33.
Variant type: single nucleotide variant.
Coding change: c.60C>A on transcript NM_025257.3 (MANE Select); coding-DNA position 60, C replaced by A.
Protein change: p.Asp20Glu; replaces aspartic acid 20 with glutamic acid.
Molecular consequence: missense variant. On other transcripts: 5 prime UTR variant (1).
Genome position (GRCh38, 1-based): chr6:31,877,063, G>T on the plus strand (C>A on the coding strand, the complement: SLC44A4 is on the minus strand). VCF-style: chr6-31877063-G-T. GRCh37 (hg19) VCF-style: chr6-31844840-G-T.
Other names: c.60C>A, p.Asp20Glu (NM_001178044.2); c.-169C>A (NM_001178045.2); short protein forms D20E.
Identifiers: ClinVar variation 4761776 (VCV004761776.1).